The following is an entry in ClinVar:

NM_003072.5(SMARCA4):c.2205C>T (p.Ala735=)

Gene: SMARCA4 (SWI/SNF related BAF chromatin remodeling complex subunit ATPase 4; plus strand). Cytogenetic location: 19p13.2.
Variant type: single nucleotide variant.
Coding change: c.2205C>T on transcript NM_003072.5 (MANE Select); coding-DNA position 2205, C replaced by T.
Protein change: p.Ala735=; no amino-acid change (alanine 735 retained).
Molecular consequence: synonymous variant. On other transcripts: non-coding transcript variant (1).
Genome position (GRCh38, 1-based): chr19:11,010,462, C>T. VCF-style: chr19-11010462-C-T. GRCh37 (hg19) VCF-style: chr19-11121138-C-T.
Other names: c.2205C>T, p.Ala735= (NM_001128844.3, NM_001128845.2, NM_001128846.2 and 5 more transcripts).
Identifiers: ClinVar variation 415089 (VCV000415089.11), dbSNP rs774655261, ClinGen allele CA9204036.

ClinVar aggregate classification (germline): Benign/Likely benign. Review status: criteria provided, multiple submitters, no conflicts (2 of 4 stars). 3 submissions from 3 submitters: Benign (1); Likely benign (2). Last evaluated 2026-07-13.

Conditions:
Hereditary cancer-predisposing syndrome. Also called: Hereditary Cancer Syndrome; Hereditary neoplastic syndrome; Neoplastic Syndromes, Hereditary; Tumor predisposition. Identifiers: Orphanet 140162, MedGen C0027672, MeSH D009386, MONDO:0015356.
Rhabdoid tumor predisposition syndrome 2 (RTPS2). Identifiers: Orphanet 231108, Orphanet 69077, MedGen C2750074, MONDO:0013224, OMIM 613325.

Allele frequency attached by ClinVar (database versions not stated): TOPMed below 0.00001; ExAC 0.00002; gnomAD 0.00001; gnomAD exomes 0.00001 and below 0.00001.
gnomAD v4.1: 6 of 1,613,966 alleles (0.00037%); highest among the groups gnomAD compares: Non-Finnish European, 0.00051%; no homozygotes.

Submissions (3):

Myriad Genetics, Inc.
Classification: Benign for Rhabdoid tumor predisposition syndrome 2. Last evaluated: 2026-07-13. Review status: criteria provided, single submitter. Criteria: Myriad Autosomal Dominant, Autosomal Recessive and X-Linked Classification Criteria (2023). Collection method: clinical testing. Allele origin: unknown.
Comment: This variant is considered benign. This variant is a silent/synonymous amino acid change and it is not expected to impact splicing.

Labcorp Genetics (formerly Invitae), Labcorp
Classification: Likely benign for Rhabdoid tumor predisposition syndrome 2. Last evaluated: 2023-12-17. Review status: criteria provided, single submitter. Criteria: Invitae Variant Classification Sherloc (09022015). Collection method: clinical testing. Allele origin: germline.

Ambry Genetics
Classification: Likely benign for Hereditary cancer-predisposing syndrome. Last evaluated: 2023-09-27. Review status: criteria provided, single submitter. Criteria: Ambry Variant Classification Scheme 2023. Collection method: clinical testing. Allele origin: germline.